The following is an entry in ClinVar:

ClinVar aggregate classification (germline): Likely benign. Review status: criteria provided, multiple submitters, no conflicts (2 of 4 stars). 3 submissions from 3 submitters: Likely benign (2). 1 of the submissions does not count toward it. Last evaluated 2025-01-06.

Conditions:
Joubert syndrome 7 (JBTS7). Identifiers: Orphanet 220497, MedGen C1969053, MONDO:0012694, OMIM 611560.
Meckel syndrome, type 5 (MKS5). Identifiers: Orphanet 564, MedGen C1969052, MONDO:0012695, OMIM 611561.
COACH syndrome 3. Identifiers: MedGen C5436841, MONDO:0030862, OMIM 619113.
RPGRIP1L-related disorder. Also called: RPGRIP1L-related disorders; RPGRIP1L-related condition. Identifiers: MedGen CN239416.
Meckel-Gruber syndrome. Also called: DYSENCEPHALIA SPLANCHNOCYSTICA; GRUBER SYNDROME; Dysencephalia splachnocystica. Identifiers: Orphanet 564, MedGen C0265215, MONDO:0018921.
Joubert syndrome. Also called: Familial aplasia of the vermis; JOUBERT-BOLTSHAUSER SYNDROME. Identifiers: Orphanet 475, MedGen C5979921, MONDO:0018772.

Allele frequency attached by ClinVar (database versions not stated): gnomAD 0.00002; TOPMed 0.00002; gnomAD exomes below 0.00001.
gnomAD v4.1: 8 of 1,613,234 alleles (0.0005%); highest among the groups gnomAD compares: Admixed American, 0.005%; no homozygotes.

Submissions (3):

Labcorp Genetics (formerly Invitae), Labcorp
Classification: Likely benign for Joubert syndrome; Meckel-Gruber syndrome. Last evaluated: 2025-01-06. Review status: criteria provided, single submitter. Criteria: Invitae Variant Classification Sherloc (09022015). Collection method: clinical testing. Allele origin: germline.

Fulgent Genetics
Classification: Likely benign for Joubert syndrome 7; Meckel syndrome, type 5; COACH syndrome 3. Last evaluated: 2022-04-30. Review status: criteria provided, single submitter. Criteria: ACMG Guidelines, 2015. Collection method: clinical testing. Allele origin: unknown.

PreventionGenetics, part of Exact Sciences
Classification: Likely benign for RPGRIP1L-related condition. Last evaluated: 2024-05-14. Review status: no assertion criteria provided. Collection method: clinical testing. Allele origin: germline. Not counted in ClinVar's aggregate classification.
Comment: This variant is classified as likely benign based on ACMG/AMP sequence variant interpretation guidelines (Richards et al. 2015 PMID: 25741868, with internal and published modifications).

NM_015272.5(RPGRIP1L):c.1770T>C (p.Ser590=)

Gene: RPGRIP1L (RPGRIP1 like; minus strand). Cytogenetic location: 16q12.2.
Variant type: single nucleotide variant.
Coding change: c.1770T>C on transcript NM_015272.5 (MANE Select); coding-DNA position 1770, T replaced by C.
Protein change: p.Ser590=; no amino-acid change (serine 590 retained).
Molecular consequence: synonymous variant.
Genome position (GRCh38, 1-based): chr16:53,652,917, A>G on the plus strand (T>C on the coding strand, the complement: RPGRIP1L is on the minus strand). VCF-style: chr16-53652917-A-G. GRCh37 (hg19) VCF-style: chr16-53686829-A-G.
Other names: c.1770T>C (NM_015272.4); c.1770T>C, p.Ser590= (NM_001127897.4, NM_001308334.3, NM_001330538.2).
Identifiers: ClinVar variation 1111163 (VCV001111163.11), dbSNP rs966605945, ClinGen allele CA281344322.
Genomic context (GRCh38, chr16:53,652,917, plus strand): 5'-ATGGATTTCAAATAGATTTTCGCCTCGTTCTAAGTGGATGGTTTCATCAAATTCATCAAC[A>G]GAGTCATCTGGCATGATTTCTGGTTTAAATTTGTACTGCTTGGTGCCATAGGCAATATCC-3'
Protein context (NP_056087.2, residues 580-600): KFKPEIMPDD[Ser590=]VDEFDETIHL